The following is an entry in ClinVar:

NM_000719.7(CACNA1C):c.539C>G (p.Ala180Gly)

Gene: CACNA1C (calcium voltage-gated channel subunit alpha1 C; plus strand). Cytogenetic location: 12p13.33.
Variant type: single nucleotide variant.
Coding change: c.539C>G on transcript NM_000719.7 (MANE Select); coding-DNA position 539, C replaced by G.
Protein change: p.Ala180Gly; replaces alanine 180 with glycine.
Molecular consequence: missense variant.
Genome position (GRCh38, 1-based): chr12:2,449,037, C>G. VCF-style: chr12-2449037-C-G. GRCh37 (hg19) VCF-style: chr12-2558203-C-G.
Other names: c.539C>G, p.Ala180Gly (NM_001129827.2, NM_001129829.2, NM_001129830.3 and 19 more transcripts); short protein forms A180G.
Identifiers: ClinVar variation 3232241 (VCV003232241.1), dbSNP rs2552094590, ClinGen allele CA383367403.

ClinVar aggregate classification (germline): Uncertain significance (1 of 4 stars; one submission).

Conditions:
Cardiovascular phenotype. Identifiers: MedGen CN230736.

Submission:

Ambry Genetics
Classification: Uncertain significance for Cardiovascular phenotype. Last evaluated: 2023-12-18. Review status: criteria provided, single submitter. Criteria: Ambry Variant Classification Scheme 2023. Collection method: clinical testing. Allele origin: germline.
Comment: The p.A180G variant (also known as c.539C>G), located in coding exon 4 of the CACNA1C gene, results from a C to G substitution at nucleotide position 539. The alanine at codon 180 is replaced by glycine, an amino acid with similar properties. This amino acid position is highly conserved in available vertebrate species. In addition, this alteration is predicted to be deleterious by in silico analysis. Since supporting evidence is limited at this time, the clinical significance of this alteration remains unclear.